The following is an entry in ClinVar:

ClinVar aggregate classification (germline): Pathogenic (1 of 4 stars; one submission).

Conditions:
Familial thoracic aortic aneurysm and aortic dissection (TAAD). Also called: Thoracic aortic aneurysms and dissections. Identifiers: Orphanet 91387, MedGen C4707243, MONDO:0019625.

Submission:

Labcorp Genetics (formerly Invitae), Labcorp
Classification: Pathogenic for Familial thoracic aortic aneurysm and aortic dissection. Last evaluated: 2022-05-27. Review status: criteria provided, single submitter. Criteria: Invitae Variant Classification Sherloc (09022015). Collection method: clinical testing. Allele origin: germline.
Comment: For these reasons, this variant has been classified as Pathogenic. This variant disrupts a region of the SMAD3 protein in which other variant(s) (p.Gly291Val) have been determined to be pathogenic (Invitae). This suggests that this is a clinically significant region of the protein, and that variants that disrupt it are likely to be disease-causing. This variant has not been reported in the literature in individuals affected with SMAD3-related conditions. This variant is a gross deletion of the genomic region encompassing exon(s) 7-9 of the SMAD3 gene, which includes the termination codon. This deletion extends beyond the assayed region for this gene and therefore may encompass additional genes. While this deletion is not anticipated to lead to nonsense mediated decay, it is expected to alter mRNA translation or result in a truncated protein product.

NC_000015.9:g.(?_67477045)_(67482874_?)del

Gene: SMAD3 (SMAD family member 3; plus strand). Cytogenetic location: 15q22.33.
Variant type: Deletion.
Identifiers: ClinVar variation 2425437 (VCV002425437.4).